The following is an entry in ClinVar:

NM_001042413.2(GLIS3):c.1272G>A (p.Ser424=)

Gene: GLIS3 (GLIS family zinc finger 3; minus strand). Cytogenetic location: 9p24.2.
Variant type: single nucleotide variant.
Coding change: c.1272G>A on transcript NM_001042413.2 (MANE Select); coding-DNA position 1272, G replaced by A.
Protein change: p.Ser424=; no amino-acid change (serine 424 retained).
Molecular consequence: synonymous variant.
Genome position (GRCh38, 1-based): chr9:4,118,206, C>T on the plus strand (G>A on the coding strand, the complement: GLIS3 is on the minus strand). VCF-style: chr9-4118206-C-T. GRCh37 (hg19) VCF-style: chr9-4118206-C-T.
Other names: c.807G>A, p.Ser269= (NM_152629.4).
Identifiers: ClinVar variation 750426 (VCV000750426.21), dbSNP rs764287243, ClinGen allele CA4968255.

ClinVar aggregate classification (germline): Likely benign. Review status: criteria provided, multiple submitters, no conflicts (2 of 4 stars). 3 submissions from 3 submitters: Likely benign (3). Last evaluated 2025-02-01.

Conditions:
Neonatal diabetes mellitus with congenital hypothyroidism. Also called: NDH SYNDROME. Identifiers: Orphanet 79118, MedGen C1857775, MONDO:0012436, OMIM 610199.

Allele frequency attached by ClinVar (database versions not stated): gnomAD 0.00001.
gnomAD v4.1: 41 of 1,585,816 alleles (0.0026%); highest among the groups gnomAD compares: Non-Finnish European, 0.0035%; no homozygotes.

Submissions (3):

CeGaT Center for Human Genetics Tuebingen
Classification: Likely benign. Last evaluated: 2025-02-01. Review status: criteria provided, single submitter. Criteria: CeGaT Center For Human Genetics Tuebingen Variant Classification Criteria Version 2. Collection method: clinical testing. Allele origin: germline. Affected: yes. Observed: 1 variant allele.
Comment: GLIS3: BP4, BP7

Labcorp Genetics (formerly Invitae), Labcorp
Classification: Likely benign. Last evaluated: 2024-10-02. Review status: criteria provided, single submitter. Criteria: Invitae Variant Classification Sherloc (09022015). Collection method: clinical testing. Allele origin: germline.

Fulgent Genetics
Classification: Likely benign for Neonatal diabetes mellitus with congenital hypothyroidism. Last evaluated: 2022-02-22. Review status: criteria provided, single submitter. Criteria: ACMG Guidelines, 2015. Collection method: clinical testing. Allele origin: unknown.